The following is an entry in ClinVar:

NM_000548.5(TSC2):c.1787T>C (p.Leu596Pro)

Gene: TSC2 (TSC complex subunit 2; plus strand). Cytogenetic location: 16p13.3.
Variant type: single nucleotide variant.
Coding change: c.1787T>C on transcript NM_000548.5 (MANE Select); coding-DNA position 1787, T replaced by C.
Protein change: p.Leu596Pro; replaces leucine 596 with proline.
Molecular consequence: missense variant.
Genome position (GRCh38, 1-based): chr16:2,070,526, T>C. VCF-style: chr16-2070526-T-C. GRCh37 (hg19) VCF-style: chr16-2120527-T-C.
Other names: c.1787T>C, p.Leu596Pro (NM_001077183.3, NM_001114382.3, NM_001363528.2 and 3 more transcripts); c.1676T>C, p.Leu559Pro (NM_001318827.2); c.1640T>C, p.Leu547Pro (NM_001318829.2); c.1187T>C, p.Leu396Pro (NM_001318831.2); c.1820T>C, p.Leu607Pro (NM_001318832.2); short protein forms L596P, L547P, L607P, L396P, L559P.
Identifiers: ClinVar variation 49628 (VCV000049628.3), dbSNP rs45517200, ClinGen allele CA015721.
Genomic context (GRCh38, chr16:2,070,526, plus strand): 5'-ACACCCTGCCTGCAAGCCACGCCACGCGTGTGTATGAGATGCTGGTCAGCCACATTCAGC[T>C]CCACTACAAGCACAGCTACACCCTGCCAATCGCGAGCAGCATCCGGCTGCAGGTATGGTG-3'
Protein context (NP_000539.2, residues 586-606): VYEMLVSHIQ[Leu596Pro]HYKHSYTLPI

ClinVar aggregate classification (germline): Uncertain significance. Review status: criteria provided, single submitter (1 of 4 stars). 2 submissions from 2 submitters: Uncertain significance (1). 1 of the submissions does not count toward it. Last evaluated 2023-09-27.

Conditions:
Tuberous sclerosis syndrome (TSC). Also called: Tuberous Sclerosis Complex; Tuberous sclerosis. Identifiers: Orphanet 805, MedGen C0041341, MONDO:0001734.

Submissions (2):

ARUP Laboratories, Molecular Genetics and Genomics, ARUP Laboratories
Classification: Uncertain significance. Last evaluated: 2023-09-27. Review status: criteria provided, single submitter. Criteria: ARUP Molecular Germline Variant Investigation Process 2024. Collection method: clinical testing. Allele origin: germline.
Comment: The TSC2 c.1787T>C p.Leu596Pro variant (rs45517200), to our knowledge, is not reported in the medical literature but is reported in ClinVar (Variation ID: 49628). This variant is absent from the Genome Aggregation Database, indicating it is not a common polymorphism. Computational analyses predict that this variant is deleterious (REVEL: 0.740). Due to limited information, the clinical significance of the p.Leu596Pro variant is uncertain at this time.

Tuberous sclerosis database (TSC2)
No classification provided. Condition: TSC. Review status: no classification provided. Criteria: Tuberous Sclerosis Database Assertion Criteria 2015. Collection method: curation. Allele origin: germline. Affected: yes. Not counted in ClinVar's aggregate classification.